The following is an entry in ClinVar:

NM_004036.5(ADCY3):c.2802C>T (p.Asp934=)

Gene: ADCY3 (adenylate cyclase 3; minus strand). Cytogenetic location: 2p23.3.
Variant type: single nucleotide variant.
Coding change: c.2802C>T on transcript NM_004036.5 (MANE Select); coding-DNA position 2802, C replaced by T.
Protein change: p.Asp934=; no amino-acid change (aspartic acid 934 retained).
Molecular consequence: synonymous variant. On other transcripts: intron variant (1).
Genome position (GRCh38, 1-based): chr2:24,823,290, G>A on the plus strand (C>T on the coding strand, the complement: ADCY3 is on the minus strand). VCF-style: chr2-24823290-G-A. GRCh37 (hg19) VCF-style: chr2-25046159-G-A.
Other names: c.2805C>T, p.Asp935= (NM_001320613.2); c.2868C>T, p.Asp956= (NM_001377128.1); c.2664C>T, p.Asp888= (NM_001377129.1); c.2079C>T, p.Asp693= (NM_001377131.1); c.2802C>T, p.Asp934= (NM_001377132.1); c.2332-660C>T (NM_001377130.1).
Identifiers: ClinVar variation 3043752 (VCV003043752.2), dbSNP rs375101795, ClinGen allele CA1553610.
Genomic context (GRCh38, chr2:24,823,290, plus strand): 5'-TTCATTGAGGAAACGCAGACACTCAATACCACCATTGTTGATGCTCTCCTCTGTGTAGAA[G>A]TCAGCAAAGTTGGGCAGGGAGGCAAACATGACTCCAATCTCATCATACGTCTGGCTATAC-3'
Protein context (NP_004027.2, residues 924-944): VMFASLPNFA[Asp934=]FYTEESINNG

ClinVar aggregate classification (germline): Likely benign (0 of 4 stars; one submission).

Conditions:
ADCY3-related disorder. Also called: ADCY3-related condition.

Allele frequency attached by ClinVar (database versions not stated): ExAC 0.00002; gnomAD 0.00006; ESP Exome Variant Server 0.00008; TOPMed 0.00009.
gnomAD v4.1: 18 of 1,613,668 alleles (0.0011%); highest among the groups gnomAD compares: African/African-American, 0.023%; no homozygotes.

Submission:

PreventionGenetics, part of Exact Sciences
Classification: Likely benign for ADCY3-related condition. Last evaluated: 2020-06-18. Review status: no assertion criteria provided. Collection method: clinical testing. Allele origin: germline.
Comment: This variant is classified as likely benign based on ACMG/AMP sequence variant interpretation guidelines (Richards et al. 2015 PMID: 25741868, with internal and published modifications).